The following is an entry in ClinVar:

ClinVar aggregate classification (germline): Likely benign. Review status: criteria provided, multiple submitters, no conflicts (2 of 4 stars). 3 submissions from 3 submitters: Likely benign (3). Last evaluated 2025-04-30.

Conditions:
Inborn genetic diseases. Identifiers: MedGen C0950123, MeSH D030342.

Allele frequency attached by ClinVar (database versions not stated): gnomAD 0.00003; ExAC 0.00009.
gnomAD v4.1: 114 of 1,613,084 alleles (0.0071%); highest among the groups gnomAD compares: Middle Eastern, 0.082%; 2 homozygotes.

Submissions (3):

Ambry Genetics
Classification: Likely benign for Inborn genetic diseases. Last evaluated: 2025-04-30. Review status: criteria provided, single submitter. Criteria: Ambry Variant Classification Scheme 2023. Collection method: clinical testing. Allele origin: germline.

Blueprint Genetics
Classification: Likely benign. Last evaluated: 2024-10-17. Review status: criteria provided, single submitter. Criteria: ACMG Guidelines, 2015. Collection method: clinical testing. Allele origin: germline.

CeGaT Center for Human Genetics Tuebingen
Classification: Likely benign. Last evaluated: 2022-11-01. Review status: criteria provided, single submitter. Criteria: CeGaT Center For Human Genetics Tuebingen Variant Classification Criteria Version 2. Collection method: clinical testing. Allele origin: germline. Affected: yes. Observed: 1 variant allele.
Comment: CACNA1G: BP4

NM_018896.5(CACNA1G):c.7099G>A (p.Gly2367Ser)

Gene: CACNA1G (calcium voltage-gated channel subunit alpha1 G; plus strand). Cytogenetic location: 17q21.33.
Variant type: single nucleotide variant.
Coding change: c.7099G>A on transcript NM_018896.5 (MANE Select); coding-DNA position 7099, G replaced by A.
Protein change: p.Gly2367Ser; replaces glycine 2367 with serine.
Molecular consequence: missense variant. On other transcripts: non-coding transcript variant (5).
Genome position (GRCh38, 1-based): chr17:50,626,716, G>A. VCF-style: chr17-50626716-G-A. GRCh37 (hg19) VCF-style: chr17-48704077-G-A.
Other names: c.6910G>A, p.Gly2304Ser (NM_001256324.2); c.6841G>A, p.Gly2281Ser (NM_001256325.2); c.6829G>A, p.Gly2277Ser (NM_001256326.2); c.6799G>A, p.Gly2267Ser (NM_001256327.2); c.6745G>A, p.Gly2249Ser (NM_001256328.2); c.6718G>A, p.Gly2240Ser (NM_001256329.2, NM_198387.3); c.6685G>A, p.Gly2229Ser (NM_001256330.2); c.6664G>A, p.Gly2222Ser (NM_001256331.2); and 19 more; short protein forms G2161S, G2184S, G2195S, G2217S, G2222S, G2229S, G2233S, G2236S.
Identifiers: ClinVar variation 2647937 (VCV002647937.25), dbSNP rs772947233, ClinGen allele CA8653809.